The following is an entry in ClinVar:

ClinVar aggregate classification (germline): Uncertain significance (1 of 4 stars; one submission).

Conditions:
LAMA2-related muscular dystrophy (LAMA2-RD). Also called: Laminin alpha 2-related dystrophy. Identifiers: MedGen C5679788, MONDO:0100228.

Submission:

Labcorp Genetics (formerly Invitae), Labcorp
Classification: Uncertain significance for LAMA2-related muscular dystrophy. Last evaluated: 2021-02-12. Review status: criteria provided, single submitter. Criteria: Invitae Variant Classification Sherloc (09022015). Collection method: clinical testing. Allele origin: germline.
Comment: This variant has not been reported in the literature in individuals with LAMA2-related conditions. This variant is not present in population databases (ExAC no frequency). This sequence change replaces threonine with isoleucine at codon 1064 of the LAMA2 protein (p.Thr1064Ile). The threonine residue is weakly conserved and there is a moderate physicochemical difference between threonine and isoleucine. In summary, the available evidence is currently insufficient to determine the role of this variant in disease. Therefore, it has been classified as a Variant of Uncertain Significance. Advanced modeling of protein sequence and biophysical properties (such as structural, functional, and spatial information, amino acid conservation, physicochemical variation, residue mobility, and thermodynamic stability) performed at Invitae indicates that this missense variant is not expected to disrupt LAMA2 protein function.

NM_000426.4(LAMA2):c.3191C>T (p.Thr1064Ile)

Gene: LAMA2 (laminin subunit alpha 2; plus strand). Cytogenetic location: 6q22.33.
Variant type: single nucleotide variant.
Coding change: c.3191C>T on transcript NM_000426.4 (MANE Select); coding-DNA position 3191, C replaced by T.
Protein change: p.Thr1064Ile; replaces threonine 1064 with isoleucine.
Molecular consequence: missense variant.
Genome position (GRCh38, 1-based): chr6:129,312,877, C>T. VCF-style: chr6-129312877-C-T. GRCh37 (hg19) VCF-style: chr6-129634022-C-T.
Other names: c.3191C>T, p.Thr1064Ile (NM_001079823.2); short protein forms T1064I.
Identifiers: ClinVar variation 1514017 (VCV001514017.8), dbSNP rs2114493852, ClinGen allele CA365611664.
Genomic context (GRCh38, chr6:129,312,877, plus strand): 5'-CCATAAAGTTGTGTTAATGGTTGCTGTTTTTATCTCCTCTATAGGCTTGTAACTGCAGCA[C>T]AGTGGGATCCTTGGATTTCCAATGCAATGTAAATACAGGCCAATGCAACTGTCATCCAAA-3'
Protein context (NP_000417.3, residues 1054-1074): TTGCKACNCS[Thr1064Ile]VGSLDFQCNV